The following is an entry in ClinVar:

ClinVar aggregate classification (germline): Uncertain significance. Review status: criteria provided, multiple submitters, no conflicts (2 of 4 stars). 3 submissions from 3 submitters: Uncertain significance (3). Last evaluated 2023-08-18.

Conditions:
Retinitis pigmentosa 12 (RP12). Also called: RP WITH OR WITHOUT PRESERVED PARAARTERIOLE RETINAL PIGMENT EPITHELIUM; RETINITIS PIGMENTOSA WITH OR WITHOUT PARAARTERIOLAR PRESERVATION OF RETINAL PIGMENT EPITHELIUM; RP WITH OR WITHOUT PPRPE. Identifiers: Orphanet 791, MedGen C1838647, MONDO:0010818, OMIM 600105.
Leber congenital amaurosis 8 (LCA8). Identifiers: Orphanet 65, MedGen C3151202, MONDO:0013453, OMIM 613835.

Submissions (3):

Labcorp Genetics (formerly Invitae), Labcorp
Classification: Uncertain significance for Leber congenital amaurosis 8; Retinitis pigmentosa 12. Last evaluated: 2023-08-18. Review status: criteria provided, single submitter. Criteria: Invitae Variant Classification Sherloc (09022015). Collection method: clinical testing. Allele origin: germline.
Comment: In summary, the available evidence is currently insufficient to determine the role of this variant in disease. Therefore, it has been classified as a Variant of Uncertain Significance. Advanced modeling of protein sequence and biophysical properties (such as structural, functional, and spatial information, amino acid conservation, physicochemical variation, residue mobility, and thermodynamic stability) has been performed at Invitae for this missense variant, however the output from this modeling did not meet the statistical confidence thresholds required to predict the impact of this variant on CRB1 protein function. ClinVar contains an entry for this variant (Variation ID: 96658). This variant has not been reported in the literature in individuals affected with CRB1-related conditions. This variant is not present in population databases (gnomAD no frequency). This sequence change replaces leucine, which is neutral and non-polar, with phenylalanine, which is neutral and non-polar, at codon 1071 of the CRB1 protein (p.Leu1071Phe).

Blueprint Genetics
Classification: Uncertain significance. Last evaluated: 2019-10-18. Review status: criteria provided, single submitter. Criteria: ACMG Guidelines, 2015. Collection method: clinical testing. Allele origin: germline.

Eurofins Ntd Llc (ga)
Classification: Uncertain significance. Last evaluated: 2013-10-15. Review status: criteria provided, single submitter. Criteria: EGL Classification Definitions 2015. Collection method: clinical testing. Allele origin: germline. Observed: 1 variant allele, 1 heterozygote.

NM_201253.3(CRB1):c.3211C>T (p.Leu1071Phe)

Gene: CRB1 (crumbs cell polarity complex component 1; plus strand). Cytogenetic location: 1q31.3.
Variant type: single nucleotide variant.
Coding change: c.3211C>T on transcript NM_201253.3 (MANE Select); coding-DNA position 3211, C replaced by T.
Protein change: p.Leu1071Phe; replaces leucine 1071 with phenylalanine.
Molecular consequence: missense variant. On other transcripts: non-coding transcript variant (2), intron variant (1).
Genome position (GRCh38, 1-based): chr1:197,435,074, C>T. VCF-style: chr1-197435074-C-T. GRCh37 (hg19) VCF-style: chr1-197404204-C-T.
Other names: c.2875C>T, p.Leu959Phe (NM_001193640.2); c.3139C>T, p.Leu1047Phe (NM_001257965.2); c.2129-526C>T (NM_001257966.2); short protein forms L1071F, L1047F, L959F.
Identifiers: ClinVar variation 96658 (VCV000096658.10), dbSNP rs398124614, ClinGen allele CA224389.